The following is an entry in ClinVar:

NM_000229.2(LCAT):c.803G>A (p.Arg268His)

Gene: LCAT (lecithin-cholesterol acyltransferase; minus strand). Cytogenetic location: 16q22.1.
Variant type: single nucleotide variant.
Coding change: c.803G>A on transcript NM_000229.2 (MANE Select); coding-DNA position 803, G replaced by A.
Protein change: p.Arg268His; replaces arginine 268 with histidine.
Molecular consequence: missense variant.
Genome position (GRCh38, 1-based): chr16:67,940,424, C>T on the plus strand (G>A on the coding strand, the complement: LCAT is on the minus strand). VCF-style: chr16-67940424-C-T. GRCh37 (hg19) VCF-style: chr16-67974327-C-T.
Other names: short protein forms R268H.
Identifiers: ClinVar variation 2736369 (VCV002736369.3), dbSNP rs780824776, ClinGen allele CA8120952.
Genomic context (GRCh38, chr16:67,940,424, plus strand): 5'-ACGTGGTCCTCAGGCCACGCCATGCGAGAGGGAAACATCCAGGGGGAGGTGGTGGTTATG[C>T]GCTGCTCCTCTTTCAGCTTGATGCTGGACATGATGGGGATGCCCTGGTTGTCACCTGTGG-3'
Protein context (NP_000220.1, residues 258-278): MSSIKLKEEQ[Arg268His]ITTTSPWMFP

ClinVar aggregate classification (germline): Pathogenic (1 of 4 stars; one submission).

Allele frequency attached by ClinVar (database versions not stated): TOPMed 0.00001; ExAC 0.00002; gnomAD 0.00003.
gnomAD v4.1: 25 of 1,614,000 alleles (0.0015%); highest among the groups gnomAD compares: African/African-American, 0.0053%; no homozygotes.

Submission:

Labcorp Genetics (formerly Invitae), Labcorp
Classification: Pathogenic. Last evaluated: 2025-08-27. Review status: criteria provided, single submitter. Criteria: Invitae Variant Classification Sherloc (09022015). Collection method: clinical testing. Allele origin: germline.
Comment: This sequence change replaces arginine, which is basic and polar, with histidine, which is basic and polar, at codon 268 of the LCAT protein (p.Arg268His). This variant is present in population databases (rs780824776, gnomAD 0.01%). This missense change has been observed in individuals with clinical features of LCAT deficiency (PMID: 15994445, 35242572). It has also been observed to segregate with disease in related individuals. This variant is also known as p.Arg244His. ClinVar contains an entry for this variant (Variation ID: 2736369). Invitae Evidence Modeling of protein sequence and biophysical properties (such as structural, functional, and spatial information, amino acid conservation, physicochemical variation, residue mobility, and thermodynamic stability) indicates that this missense variant is expected to disrupt LCAT protein function with a positive predictive value of 95%. For these reasons, this variant has been classified as Pathogenic.

Literature cited by the submitters: PubMed 15994445; PubMed 35242572.